The following is an entry in ClinVar:

NM_017763.6(RNF43):c.1132T>C (p.Ser378Pro)

Gene: RNF43 (ring finger protein 43; minus strand). Cytogenetic location: 17q22.
Variant type: single nucleotide variant.
Coding change: c.1132T>C on transcript NM_017763.6 (MANE Select); coding-DNA position 1132, T replaced by C.
Protein change: p.Ser378Pro; replaces serine 378 with proline.
Molecular consequence: missense variant.
Genome position (GRCh38, 1-based): chr17:58,358,644, A>G on the plus strand (T>C on the coding strand, the complement: RNF43 is on the minus strand). VCF-style: chr17-58358644-A-G. GRCh37 (hg19) VCF-style: chr17-56436005-A-G.
Other names: c.1132T>C, p.Ser378Pro (NM_001305544.3); c.751T>C, p.Ser251Pro (NM_001305545.2); short protein forms S378P, S251P.
Identifiers: ClinVar variation 1041451 (VCV001041451.9), dbSNP rs1972760041, ClinGen allele CA400331487.

ClinVar aggregate classification (germline): Uncertain significance. Review status: criteria provided, multiple submitters, no conflicts (2 of 4 stars). 2 submissions from 2 submitters: Uncertain significance (2). Last evaluated 2024-12-12.

Allele frequency attached by ClinVar (database versions not stated): gnomAD exomes below 0.00001.
gnomAD v4.1: 1 of 1,533,332 alleles (0.000065%); highest among the groups gnomAD compares: African/African-American, 0.0014%; no homozygotes.

Submissions (2):

Ambry Genetics
Classification: Uncertain significance. Last evaluated: 2024-12-12. Review status: criteria provided, single submitter. Criteria: Ambry Variant Classification Scheme 2023. Collection method: clinical testing. Allele origin: germline.
Comment: The p.S378P variant (also known as c.1132T>C), located in coding exon 8 of the RNF43 gene, results from a T to C substitution at nucleotide position 1132. The serine at codon 378 is replaced by proline, an amino acid with similar properties. This amino acid position is conserved. In addition, this alteration is predicted to be tolerated by in silico analysis. Based on the available evidence, the clinical significance of this variant remains unclear.

Labcorp Genetics (formerly Invitae), Labcorp
Classification: Uncertain significance. Last evaluated: 2020-09-02. Review status: criteria provided, single submitter. Criteria: Invitae Variant Classification Sherloc (09022015). Collection method: clinical testing. Allele origin: germline.
Comment: In summary, the available evidence is currently insufficient to determine the role of this variant in disease. Therefore, it has been classified as a Variant of Uncertain Significance. Algorithms developed to predict the effect of missense changes on protein structure and function are either unavailable or do not agree on the potential impact of this missense change (SIFT: "Deleterious"; PolyPhen-2: "Possibly Damaging"; Align-GVGD: "Class C0"). This variant has not been reported in the literature in individuals with RNF43-related conditions. The frequency data for this variant in the population databases is considered unreliable, as metrics indicate insufficient coverage at this position in the ExAC database. This sequence change replaces serine with proline at codon 378 of the RNF43 protein (p.Ser378Pro). The serine residue is highly conserved and there is a moderate physicochemical difference between serine and proline.